The following is an entry in ClinVar:

NM_000059.4(BRCA2):c.1850_1851delinsAG (p.Ser617Ter)

Gene: BRCA2 (BRCA2 DNA repair associated; plus strand). Cytogenetic location: 13q13.1.
Variant type: Indel.
Coding change: c.1850_1851delinsAG on transcript NM_000059.4 (MANE Select); coding-DNA positions 1850 to 1851, CA replaced by AG.
Protein change: p.Ser617Ter; replaces serine 617 with a stop codon.
Molecular consequence: nonsense.
Genome position (GRCh38, 1-based): chr13:32,333,328-32,333,329, CA replaced by AG. VCF-style: chr13-32333328-CA-AG. GRCh37 (hg19) VCF-style: chr13-32907465-CA-AG.
Other names: short protein forms S617*.
Identifiers: ClinVar variation 1071771 (VCV001071771.11), dbSNP rs2137475631, ClinGen allele CA2499222089.

ClinVar aggregate classification (germline): Pathogenic. Review status: criteria provided, multiple submitters, no conflicts (2 of 4 stars). 2 submissions from 2 submitters: Pathogenic (2). Last evaluated 2021-04-07.

Conditions:
Hereditary breast ovarian cancer syndrome. Also called: Hereditary breast and ovarian cancer syndrome (HBOC); Hereditary breast and/or ovarian cancer syndrome; Hereditary breast and ovarian cancer; BRCA1- and BRCA2-Associated Hereditary Breast and Ovarian Cancer; Hereditary breast and ovarian cancer syndrome; Breast and ovarian cancer. Identifiers: Orphanet 145, MedGen C0677776, MeSH D061325, MONDO:0003582. Disease mechanism: loss of function.
Hereditary cancer-predisposing syndrome. Also called: Tumor predisposition; Hereditary neoplastic syndrome; Neoplastic Syndromes, Hereditary; Hereditary Cancer Syndrome. Identifiers: Orphanet 140162, MedGen C0027672, MeSH D009386, MONDO:0015356.

Submissions (2):

Ambry Genetics
Classification: Pathogenic for Hereditary cancer-predisposing syndrome. Last evaluated: 2021-04-07. Review status: criteria provided, single submitter. Criteria: Ambry Variant Classification Scheme 2023. Collection method: clinical testing. Allele origin: germline.
Comment: The c.1850_1851delCAinsAG pathogenic mutation, located in coding exon 9 of the BRCA2 gene, results from an in-frame deletion of CA and insertion of AG at nucleotide positions 1850 to 1851. This changes the amino acid from a serine to a stop codon within coding exon 9 (p.S617*). This alteration is expected to result in loss of function by premature protein truncation or nonsense-mediated mRNA decay. As such, this alteration is interpreted as a disease-causing mutation.

Labcorp Genetics (formerly Invitae), Labcorp
Classification: Pathogenic for Hereditary breast ovarian cancer syndrome. Last evaluated: 2020-01-14. Review status: criteria provided, single submitter. Criteria: Invitae Variant Classification Sherloc (09022015). Collection method: clinical testing. Allele origin: germline.
Comment: For these reasons, this variant has been classified as Pathogenic. Loss-of-function variants in BRCA2 are known to be pathogenic (PMID: 20104584). Algorithms developed to predict the effect of sequence changes on RNA splicing suggest that this variant may create or strengthen a splice site, but this prediction has not been confirmed by published transcriptional studies. This variant has not been reported in the literature in individuals with BRCA2-related conditions. This variant is not present in population databases (ExAC no frequency). This sequence change creates a premature translational stop signal (p.Ser617*) in the BRCA2 gene. It is expected to result in an absent or disrupted protein product.

Literature cited by the submitters: PubMed 20104584 (cited by Labcorp Genetics (formerly Invitae), Labcorp).